The following is an entry in ClinVar:

ClinVar aggregate classification (germline): Uncertain significance (1 of 4 stars; one submission).

Allele frequency attached by ClinVar (database versions not stated): gnomAD exomes below 0.00001; TOPMed below 0.00001.
gnomAD v4.1: 1 of 1,613,440 alleles (0.000062%); highest among the groups gnomAD compares: South Asian, 0.0011%; no homozygotes.

Submission:

GeneDx
Classification: Uncertain significance. Last evaluated: 2020-07-09. Review status: criteria provided, single submitter. Criteria: GeneDx Variant Classification Process June 2021. Collection method: clinical testing. Allele origin: germline. Affected: yes.
Comment: Not observed in large population cohorts (Lek et al., 2016); In silico analysis supports that this missense variant does not alter protein structure/function; Has not been previously published as pathogenic or benign to our knowledge

NM_001330078.2(NRXN1):c.1180A>G (p.Ile394Val)

Gene: NRXN1 (neurexin 1; minus strand). Cytogenetic location: 2p16.3.
Variant type: single nucleotide variant.
Coding change: c.1180A>G on transcript NM_001330078.2 (MANE Select); coding-DNA position 1180, A replaced by G.
Protein change: p.Ile394Val; replaces isoleucine 394 with valine.
Molecular consequence: missense variant.
Genome position (GRCh38, 1-based): chr2:50,620,162, T>C on the plus strand (A>G on the coding strand, the complement: NRXN1 is on the minus strand). VCF-style: chr2-50620162-T-C. GRCh37 (hg19) VCF-style: chr2-50847300-T-C.
Other names: c.1300A>G, p.Ile434Val (NM_001135659.3); c.1156A>G, p.Ile386Val (NM_001330077.2, NM_001330082.2, NM_001330095.2); c.1141A>G, p.Ile381Val (NM_001330083.2, NM_001330084.2); c.1180A>G, p.Ile394Val (NM_001330085.2, NM_001330086.2, NM_004801.6); c.1096A>G, p.Ile366Val (NM_001330087.2, NM_001330096.2); c.1126A>G, p.Ile376Val (NM_001330088.2); c.1177A>G, p.Ile393Val (NM_001330093.2); c.1168A>G, p.Ile390Val (NM_001330094.2); short protein forms I366V, I376V, I381V, I386V, I390V, I393V, I394V, I434V.
Identifiers: ClinVar variation 1318603 (VCV001318603.2), dbSNP rs1428559421, ClinGen allele CA346821886.